The following is an entry in ClinVar:

NM_001111.5(ADAR):c.2314G>A (p.Val772Ile)

Gene: ADAR (adenosine deaminase RNA specific; minus strand). Cytogenetic location: 1q21.3.
Variant type: single nucleotide variant.
Coding change: c.2314G>A on transcript NM_001111.5 (MANE Select); coding-DNA position 2314, G replaced by A.
Protein change: p.Val772Ile; replaces valine 772 with isoleucine.
Molecular consequence: missense variant.
Genome position (GRCh38, 1-based): chr1:154,590,366, C>T on the plus strand (G>A on the coding strand, the complement: ADAR is on the minus strand). VCF-style: chr1-154590366-C-T. GRCh37 (hg19) VCF-style: chr1-154562842-C-T.
Other names: c.2314G>A (NM_001111.4); c.1429G>A, p.Val477Ile (NM_001025107.3, NM_001193495.2, NM_001365046.1 and 3 more transcripts); c.2341G>A, p.Val781Ile (NM_001365045.1); c.2314G>A, p.Val772Ile (NM_015840.4); c.2257G>A, p.Val753Ile (NM_015841.4); short protein forms V477I, V753I, V772I, V781I.
Identifiers: ClinVar variation 1356351 (VCV001356351.10), dbSNP rs763229776, ClinGen allele CA1131317.

ClinVar aggregate classification (germline): Uncertain significance. Review status: criteria provided, multiple submitters, no conflicts (2 of 4 stars). 3 submissions from 3 submitters: Uncertain significance (3). Last evaluated 2026-01-28.

Conditions:
Aicardi-Goutieres syndrome 6 (AGS6). Identifiers: Orphanet 51, MedGen C3539013, MONDO:0014007, OMIM 615010.
Inborn genetic diseases. Identifiers: MedGen C0950123, MeSH D030342.
Symmetrical dyschromatosis of extremities (DSH). Also called: DYSCHROMATOSIS SYMMETRICA HEREDITARIA 1; RETICULATE ACROPIGMENTATION OF DOHI; SYMMETRIC DYSCHROMATOSIS OF THE EXTREMITIES; Dyschromatosis symmetrica hereditaria. Identifiers: Orphanet 41, MedGen C0406775, MONDO:0007483, OMIM 127400.

Allele frequency attached by ClinVar (database versions not stated): TOPMed 0.00002; gnomAD 0.00003 and 0.00004; gnomAD exomes 0.00001; ExAC 0.00002.
gnomAD v4.1: 23 of 1,613,960 alleles (0.0014%); highest among the groups gnomAD compares: African/African-American, 0.0053%; no homozygotes.

Submissions (3):

Labcorp Genetics (formerly Invitae), Labcorp
Classification: Uncertain significance for Aicardi-Goutieres syndrome 6; Symmetrical dyschromatosis of extremities. Last evaluated: 2026-01-28. Review status: criteria provided, single submitter. Criteria: Invitae Variant Classification Sherloc (09022015). Collection method: clinical testing. Allele origin: germline.
Comment: This sequence change replaces valine, which is neutral and non-polar, with isoleucine, which is neutral and non-polar, at codon 772 of the ADAR protein (p.Val772Ile). This variant is present in population databases (rs763229776, gnomAD 0.003%). This variant has not been reported in the literature in individuals affected with ADAR-related conditions. ClinVar contains an entry for this variant (Variation ID: 1356351). Invitae Evidence Modeling of protein sequence and biophysical properties (such as structural, functional, and spatial information, amino acid conservation, physicochemical variation, residue mobility, and thermodynamic stability) indicates that this missense variant is expected to disrupt ADAR protein function with a positive predictive value of 80%. In summary, the available evidence is currently insufficient to determine the role of this variant in disease. Therefore, it has been classified as a Variant of Uncertain Significance.

Ambry Genetics
Classification: Uncertain significance for Inborn genetic diseases. Last evaluated: 2025-09-26. Review status: criteria provided, single submitter. Criteria: Ambry Variant Classification Scheme 2023. Collection method: clinical testing. Allele origin: germline.

3billion
Classification: Uncertain significance for Aicardi-Goutieres syndrome 6. Last evaluated: 2025-04-07. Review status: criteria provided, single submitter. Criteria: ACMG Guidelines, 2015. Collection method: clinical testing. Allele origin: germline. Affected: yes.